The following is an entry in ClinVar:

NM_007294.4(BRCA1):c.4661_4666del (p.Pro1554_Arg1555del)

Gene: BRCA1 (BRCA1 DNA repair associated; minus strand). Cytogenetic location: 17q21.31.
Variant type: Deletion.
Coding change: c.4661_4666del on transcript NM_007294.4 (MANE Select); coding-DNA positions 4661 to 4666, 6 bases deleted (CAAGGC; older notation c.4661_4666delCAAGGC).
Protein change: p.Pro1554_Arg1555del.
Molecular consequence: inframe deletion. On other transcripts: inframe indel (362), non-coding transcript variant (1).
Genome position (GRCh38, 1-based): chr17:43,074,340-43,074,345, GCCTTG deleted on the plus strand (CAAGGC on the coding strand, the reverse complement: BRCA1 is on the minus strand); deleting any 6 consecutive bases within chr17:43,074,340-43,074,347 gives the same sequence; the c. name uses the placement nearest the transcript's 3' end. VCF-style (leftmost placement, unchanged base first): chr17-43074339-TGCCTTG-T. GRCh37 (hg19) VCF-style: chr17-41226356-TGCCTTG-T.
Other names: c.4515_4520delGCCAAG, p.Pro1506_Arg1507del (NM_001407944.1, NM_001407945.1, NM_001407732.1 and 21 more transcripts); c.4326_4331delGCCAAG, p.Pro1443_Arg1444del (NM_001407946.1, NM_001407947.1, NM_001407948.1 and 1 more transcripts); c.4323_4328delGCCAAG, p.Pro1442_Arg1443del (NM_001407950.1, NM_001407951.1, NM_001407952.1 and 3 more transcripts); c.4320_4325delGCCAAG, p.Pro1441_Arg1442del (NM_001407956.1, NM_001407957.1, NM_001407958.1); c.4278_4283delGCCAAG, p.Pro1427_Arg1428del (NM_001407959.1); c.4275_4280delGCCAAG, p.Pro1426_Arg1427del (NM_001407960.1, NM_001407962.1); c.4272_4277delGCCAAG, p.Pro1425_Arg1426del (NM_001407963.1); c.4152_4157delGCCAAG, p.Pro1385_Arg1386del (NM_001407965.1); and 71 more.
Identifiers: ClinVar variation 2026947 (VCV002026947.4), dbSNP rs2551399913, ClinGen allele CA2580094221.

ClinVar aggregate classification (germline): Uncertain significance (1 of 4 stars; one submission).

Conditions:
Hereditary breast ovarian cancer syndrome. Also called: BRCA1- and BRCA2-Associated Hereditary Breast and Ovarian Cancer; Hereditary breast and ovarian cancer; Hereditary breast and ovarian cancer syndrome (HBOC); Breast and ovarian cancer; Hereditary breast and ovarian cancer syndrome; Hereditary breast and/or ovarian cancer syndrome. Identifiers: Orphanet 145, MedGen C0677776, MeSH D061325, MONDO:0003582. Disease mechanism: loss of function.

Submission:

Labcorp Genetics (formerly Invitae), Labcorp
Classification: Uncertain significance for Hereditary breast ovarian cancer syndrome. Last evaluated: 2022-08-26. Review status: criteria provided, single submitter. Criteria: Invitae Variant Classification Sherloc (09022015). Collection method: clinical testing. Allele origin: germline.
Comment: This variant, c.4661_4666del, results in the deletion of 2 amino acid(s) of the BRCA1 protein (p.Pro1554_Arg1555del), but otherwise preserves the integrity of the reading frame. This variant is not present in population databases (gnomAD no frequency). This variant has not been reported in the literature in individuals affected with BRCA1-related conditions. Experimental studies and prediction algorithms are not available or were not evaluated, and the functional significance of this variant is currently unknown. In summary, the available evidence is currently insufficient to determine the role of this variant in disease. Therefore, it has been classified as a Variant of Uncertain Significance.